The following is an entry in ClinVar:

NM_032043.3(BRIP1):c.2213T>A (p.Leu738Ter)

Gene: BRIP1 (BRCA1 interacting DNA helicase 1; minus strand). Cytogenetic location: 17q23.2.
Variant type: single nucleotide variant.
Coding change: c.2213T>A on transcript NM_032043.3 (MANE Select); coding-DNA position 2213, T replaced by A.
Protein change: p.Leu738Ter; replaces leucine 738 with a stop codon.
Molecular consequence: nonsense.
Genome position (GRCh38, 1-based): chr17:61,744,476, A>T on the plus strand (T>A on the coding strand, the complement: BRIP1 is on the minus strand). VCF-style: chr17-61744476-A-T. GRCh37 (hg19) VCF-style: chr17-59821837-A-T.
Other names: short protein forms L738*.
Identifiers: ClinVar variation 3759791 (VCV003759791.2).
Genomic context (GRCh38, chr17:61,744,476, plus strand): 5'-AATAATTTCCAGTTACCTTTCTCTCCTTTGTATTTGATTGCGTCATAGTACACCTGCAGT[A>T]ATTCATCAAAATTTGTTTTTTCTCCTCCCTGTGGTTCTACAATGACTGTCTTCACCAACT-3'

ClinVar aggregate classification (germline): Pathogenic (1 of 4 stars; one submission).

Conditions:
Fanconi anemia complementation group J. Also called: BRIP1-Related Fanconi Anemia. Identifiers: Orphanet 84, MedGen C1836860, MONDO:0012187, OMIM 609054.
Familial cancer of breast. Also called: BREAST CANCER, FAMILIAL; Hereditary breast cancer; hereditary breast carcinoma. Identifiers: Orphanet 227535, MedGen C0346153, MONDO:0016419, OMIM 114480. Disease mechanism: loss of function.

Submission:

Labcorp Genetics (formerly Invitae), Labcorp
Classification: Pathogenic for Familial cancer of breast; Fanconi anemia complementation group J. Last evaluated: 2024-11-15. Review status: criteria provided, single submitter. Criteria: Invitae Variant Classification Sherloc (09022015). Collection method: clinical testing. Allele origin: germline.
Comment: This sequence change creates a premature translational stop signal (p.Leu738*) in the BRIP1 gene. It is expected to result in an absent or disrupted protein product. Loss-of-function variants in BRIP1 are known to be pathogenic (PMID: 16116423, 17033622, 21964575). This variant is not present in population databases (gnomAD no frequency). This variant has not been reported in the literature in individuals affected with BRIP1-related conditions. For these reasons, this variant has been classified as Pathogenic.

Literature cited by the submitters: PubMed 16116423; PubMed 17033622; PubMed 21964575.